The following is an entry in ClinVar:

NM_000368.5(TSC1):c.3263T>G (p.Leu1088Arg)

Gene: TSC1 (TSC complex subunit 1; minus strand). Cytogenetic location: 9q34.13.
Variant type: single nucleotide variant.
Coding change: c.3263T>G on transcript NM_000368.5 (MANE Select); coding-DNA position 3263, T replaced by G.
Protein change: p.Leu1088Arg; replaces leucine 1088 with arginine.
Molecular consequence: missense variant.
Genome position (GRCh38, 1-based): chr9:132,896,467, A>C on the plus strand (T>G on the coding strand, the complement: TSC1 is on the minus strand). VCF-style: chr9-132896467-A-C. GRCh37 (hg19) VCF-style: chr9-135771854-A-C.
Other names: c.3263T>G (NM_000368.4); c.3260T>G, p.Leu1087Arg (NM_001162426.2); c.3110T>G, p.Leu1037Arg (NM_001162427.2); c.2900T>G, p.Leu967Arg (NM_001362177.2); short protein forms L1037R, L1088R, L1087R, L967R.
Identifiers: ClinVar variation 1046498 (VCV001046498.10), dbSNP rs1845053005, ClinGen allele CA375366801.

ClinVar aggregate classification (germline): Uncertain significance. Review status: criteria provided, multiple submitters, no conflicts (2 of 4 stars). 2 submissions from 2 submitters: Uncertain significance (2). Last evaluated 2023-04-18.

Conditions:
Tuberous sclerosis 1 (TSC1). Identifiers: Orphanet 805, MedGen C1854465, MONDO:0008612, OMIM 191100.
Hereditary cancer-predisposing syndrome. Also called: Hereditary neoplastic syndrome; Neoplastic Syndromes, Hereditary; Tumor predisposition; Hereditary Cancer Syndrome. Identifiers: Orphanet 140162, MedGen C0027672, MeSH D009386, MONDO:0015356.

Submissions (2):

Ambry Genetics
Classification: Uncertain significance for Hereditary cancer-predisposing syndrome. Last evaluated: 2023-04-18. Review status: criteria provided, single submitter. Criteria: Ambry Variant Classification Scheme 2023. Collection method: clinical testing. Allele origin: germline.
Comment: The p.L1088R variant (also known as c.3263T>G), located in coding exon 21 of the TSC1 gene, results from a T to G substitution at nucleotide position 3263. The leucine at codon 1088 is replaced by arginine, an amino acid with dissimilar properties. This amino acid position is conserved. In addition, this alteration is predicted to be deleterious by in silico analysis. Since supporting evidence is limited at this time, the clinical significance of this alteration remains unclear.

Labcorp Genetics (formerly Invitae), Labcorp
Classification: Uncertain significance for Tuberous sclerosis 1. Last evaluated: 2020-05-20. Review status: criteria provided, single submitter. Criteria: Invitae Variant Classification Sherloc (09022015). Collection method: clinical testing. Allele origin: germline.
Comment: In summary, the available evidence is currently insufficient to determine the role of this variant in disease. Therefore, it has been classified as a Variant of Uncertain Significance. Algorithms developed to predict the effect of missense changes on protein structure and function are either unavailable or do not agree on the potential impact of this missense change (SIFT: "Tolerated"; PolyPhen-2: "Probably Damaging"; Align-GVGD: "Class C0"). This variant has not been reported in the literature in individuals with TSC1-related conditions. This variant is not present in population databases (ExAC no frequency). This sequence change replaces leucine with arginine at codon 1088 of the TSC1 protein (p.Leu1088Arg). The leucine residue is highly conserved and there is a moderate physicochemical difference between leucine and arginine.